The following is an entry in ClinVar:

ClinVar aggregate classification (germline): Pathogenic (1 of 4 stars; one submission).

Conditions:
Nemaline myopathy 2 (NEM2). Also called: Nemaline myopathy 2, autosomal recessive. Identifiers: MedGen C1850569, MONDO:0009725, OMIM 256030.

Submission:

Labcorp Genetics (formerly Invitae), Labcorp
Classification: Pathogenic for Nemaline myopathy 2. Last evaluated: 2020-08-26. Review status: criteria provided, single submitter. Criteria: Invitae Variant Classification Sherloc (09022015). Collection method: clinical testing. Allele origin: germline.
Comment: This sequence change creates a premature translational stop signal (p.Arg6816Profs*9) in the NEB gene. It is expected to result in an absent or disrupted protein product. This variant is not present in population databases (ExAC no frequency). This variant has not been reported in the literature in individuals with NEB-related conditions. Loss-of-function variants in NEB are known to be pathogenic (PMID: 25205138). For these reasons, this variant has been classified as Pathogenic.

Literature cited by the submitters: PubMed 25205138.

NM_001164508.2(NEB):c.20446dup (p.Arg6816fs)

Gene: NEB (nebulin; minus strand). Cytogenetic location: 2q23.3.
Variant type: Duplication.
Coding change: c.20446dup on transcript NM_001164508.2 (MANE Select); coding-DNA position 20446, one base duplicated (C; older notation c.20446dupC).
Protein change: p.Arg6816fs; shifts the reading frame from arginine 6816.
Molecular consequence: frameshift variant.
Genome position (GRCh38, 1-based): chr2:151,546,365, G duplicated on the plus strand (C on the coding strand, the reverse complement: NEB is on the minus strand); the first of 3 consecutive G bases (chr2:151,546,365-151,546,367); duplicating any one gives the same sequence. VCF-style (leftmost placement, unchanged base first): chr2-151546364-C-CG. GRCh37 (hg19) VCF-style: chr2-152402878-C-CG.
Other names: c.20446dup, p.Arg6816fs (NM_001164507.2, NM_001271208.2); c.15343dup, p.Arg5115fs (NM_004543.5); short protein forms R5115fs, R6816fs.
Identifiers: ClinVar variation 1073398 (VCV001073398.7), dbSNP rs1559767662, ClinGen allele CA2499215001.